The following is an entry in ClinVar:

NM_005559.4(LAMA1):c.6614A>G (p.His2205Arg)

Gene: LAMA1 (laminin subunit alpha 1; minus strand). Cytogenetic location: 18p11.31.
Variant type: single nucleotide variant.
Coding change: c.6614A>G on transcript NM_005559.4 (MANE Select); coding-DNA position 6614, A replaced by G.
Protein change: p.His2205Arg; replaces histidine 2205 with arginine.
Molecular consequence: missense variant.
Genome position (GRCh38, 1-based): chr18:6,974,912, T>C on the plus strand (A>G on the coding strand, the complement: LAMA1 is on the minus strand). VCF-style: chr18-6974912-T-C. GRCh37 (hg19) VCF-style: chr18-6974911-T-C.
Other names: short protein forms H2205R.
Identifiers: ClinVar variation 1918028 (VCV001918028.5), dbSNP rs113762855, ClinGen allele CA295755170.
Genomic context (GRCh38, chr18:6,974,912, plus strand): 5'-TGAGACACACTTTAAAAAAGAGAGCTGCTTTGAGAGAACATTCTCTTCTACCTGGCTACA[T>C]GGATACTGTGCCATCTGTTGTCATCAATGGGAAAGTCTGGAAACTCCAAGCGTGTGGACC-3'
Protein context (NP_005550.2, residues 2195-2215): PIDDNRWHSI[His2205Arg]VARFGNIGSL

ClinVar aggregate classification (germline): Uncertain significance (1 of 4 stars; one submission).

Allele frequency attached by ClinVar (database versions not stated): gnomAD exomes below 0.00001.
gnomAD v4.1: 3 of 1,614,162 alleles (0.00019%); highest among the groups gnomAD compares: African/African-American, 0.004%; no homozygotes.

Submission:

Labcorp Genetics (formerly Invitae), Labcorp
Classification: Uncertain significance. Last evaluated: 2023-11-01. Review status: criteria provided, single submitter. Criteria: Invitae Variant Classification Sherloc (09022015). Collection method: clinical testing. Allele origin: germline.
Comment: This sequence change replaces histidine, which is basic and polar, with arginine, which is basic and polar, at codon 2205 of the LAMA1 protein (p.His2205Arg). This variant is not present in population databases (gnomAD no frequency). This variant has not been reported in the literature in individuals affected with LAMA1-related conditions. ClinVar contains an entry for this variant (Variation ID: 1918028). Advanced modeling of protein sequence and biophysical properties (such as structural, functional, and spatial information, amino acid conservation, physicochemical variation, residue mobility, and thermodynamic stability) performed at Invitae indicates that this missense variant is not expected to disrupt LAMA1 protein function with a negative predictive value of 80%. In summary, the available evidence is currently insufficient to determine the role of this variant in disease. Therefore, it has been classified as a Variant of Uncertain Significance.